The following is an entry in ClinVar:

ClinVar aggregate classification (germline): Uncertain significance (1 of 4 stars; one submission).

Submission:

Labcorp Genetics (formerly Invitae), Labcorp
Classification: Uncertain significance. Last evaluated: 2022-06-15. Review status: criteria provided, single submitter. Criteria: Invitae Variant Classification Sherloc (09022015). Collection method: clinical testing. Allele origin: germline.
Comment: In summary, the available evidence is currently insufficient to determine the role of this variant in disease. Therefore, it has been classified as a Variant of Uncertain Significance. Algorithms developed to predict the effect of sequence changes on RNA splicing suggest that this variant may create or strengthen a splice site. This variant has not been reported in the literature in individuals affected with VPS13C-related conditions. This variant is not present in population databases (gnomAD no frequency). This sequence change falls in intron 42 of the VPS13C gene. It does not directly change the encoded amino acid sequence of the VPS13C protein.

NM_020821.3(VPS13C):c.4760-6T>G

Gene: VPS13C (vacuolar protein sorting 13 homolog C; minus strand). Cytogenetic location: 15q22.2.
Variant type: single nucleotide variant.
Coding change: c.4760-6T>G on transcript NM_020821.3 (MANE Select); 6 bases into the intron before coding-DNA position 4760, T replaced by G.
Molecular consequence: intron variant.
Genome position (GRCh38, 1-based): chr15:61,947,315, A>C on the plus strand (T>G on the coding strand, the complement: VPS13C is on the minus strand). VCF-style: chr15-61947315-A-C. GRCh37 (hg19) VCF-style: chr15-62239514-A-C.
Other names: c.4631-6T>G (NM_017684.5, NM_018080.4); c.4760-6T>G (NM_001018088.3).
Identifiers: ClinVar variation 1519276 (VCV001519276.4), dbSNP rs2140277771, ClinGen allele CA2573151027.